The following is an entry in ClinVar:

ClinVar aggregate classification (germline): Uncertain significance (1 of 4 stars; one submission).

Submission:

Labcorp Genetics (formerly Invitae), Labcorp
Classification: Uncertain significance. Last evaluated: 2025-09-04. Review status: criteria provided, single submitter. Criteria: Invitae Variant Classification Sherloc (09022015). Collection method: clinical testing. Allele origin: germline.
Comment: This sequence change replaces valine, which is neutral and non-polar, with aspartic acid, which is acidic and polar, at codon 2454 of the FLNB protein (p.Val2454Asp). This variant is not present in population databases (gnomAD no frequency). This variant has not been reported in the literature in individuals affected with FLNB-related conditions. Invitae Evidence Modeling of protein sequence and biophysical properties (such as structural, functional, and spatial information, amino acid conservation, physicochemical variation, residue mobility, and thermodynamic stability) has been performed for this missense variant. However, the output from this modeling did not meet the statistical confidence thresholds required to predict the impact of this variant on FLNB protein function. In summary, the available evidence is currently insufficient to determine the role of this variant in disease. Therefore, it has been classified as a Variant of Uncertain Significance.

NM_001457.4(FLNB):c.7361T>A (p.Val2454Asp)

Genes: FLNB (filamin B; plus strand), FLNB-AS1 (FLNB antisense RNA 1; minus strand). Cytogenetic location: 3p14.3.
Variant type: single nucleotide variant.
Coding change: c.7361T>A on transcript NM_001457.4 (MANE Select); coding-DNA position 7361, T replaced by A.
Protein change: p.Val2454Asp; replaces valine 2454 with aspartic acid.
Molecular consequence: missense variant.
Genome position (GRCh38, 1-based): chr3:58,168,602, T>A. VCF-style: chr3-58168602-T-A. GRCh37 (hg19) VCF-style: chr3-58154329-T-A.
Other names: c.7454T>A, p.Val2485Asp (NM_001164317.2); c.7328T>A, p.Val2443Asp (NM_001164318.2); c.7289T>A, p.Val2430Asp (NM_001164319.2); short protein forms V2454D, V2485D, V2443D, V2430D.
Identifiers: ClinVar variation 4706654 (VCV004706654.1).